The following is an entry in ClinVar:

NM_002485.5(NBN):c.2070+1G>T

Gene: NBN (nibrin; minus strand). Cytogenetic location: 8q21.3.
Variant type: single nucleotide variant.
Coding change: c.2070+1G>T on transcript NM_002485.5 (MANE Select); the canonical splice donor site of the intron after coding-DNA position 2070, G replaced by T.
Molecular consequence: splice donor variant.
Genome position (GRCh38, 1-based): chr8:89,946,139, C>A on the plus strand (G>T on the coding strand, the complement: NBN is on the minus strand). VCF-style: chr8-89946139-C-A. GRCh37 (hg19) VCF-style: chr8-90958367-C-A.
Other names: c.1824+1G>T (NM_001024688.3).
Identifiers: ClinVar variation 1318457 (VCV001318457.5), dbSNP rs1554556454, ClinGen allele CA371676309.

ClinVar aggregate classification (germline): Likely pathogenic. Review status: criteria provided, multiple submitters, no conflicts (2 of 4 stars). 2 submissions from 2 submitters: Likely pathogenic (2). Last evaluated 2022-12-16.

Conditions:
Microcephaly, normal intelligence and immunodeficiency (NBS). Also called: IMMUNODEFICIENCY, MICROCEPHALY, AND CHROMOSOMAL INSTABILITY; Ataxia telangiectasia variant V1; Immunodeficiency, microcephaly with normal intelligence; SEEMANOVA SYNDROME II; Nijmegen breakage syndrome; Microcephaly with normal intelligence immunodeficiency and lymphoreticular malignancies. Identifiers: Orphanet 647, MedGen C0398791, MONDO:0009623, OMIM 251260.

Submissions (2):

Labcorp Genetics (formerly Invitae), Labcorp
Classification: Likely pathogenic for Microcephaly, normal intelligence and immunodeficiency. Last evaluated: 2022-12-16. Review status: criteria provided, single submitter. Criteria: Invitae Variant Classification Sherloc (09022015). Collection method: clinical testing. Allele origin: germline.
Comment: In summary, the currently available evidence indicates that the variant is pathogenic, but additional data are needed to prove that conclusively. Therefore, this variant has been classified as Likely Pathogenic. This sequence change affects a donor splice site in intron 13 of the NBN gene. It is expected to disrupt RNA splicing. Variants that disrupt the donor or acceptor splice site typically lead to a loss of protein function (PMID: 16199547), and loss-of-function variants in NBN are known to be pathogenic (PMID: 9590180, 16415040). This variant is not present in population databases (gnomAD no frequency). This variant has not been reported in the literature in individuals affected with NBN-related conditions. ClinVar contains an entry for this variant (Variation ID: 1318457). Algorithms developed to predict the effect of sequence changes on RNA splicing suggest that this variant may disrupt the consensus splice site.

GeneDx
Classification: Likely pathogenic. Last evaluated: 2021-10-26. Review status: criteria provided, single submitter. Criteria: GeneDx Variant Classification Process June 2021. Collection method: clinical testing. Allele origin: germline. Affected: yes.
Comment: Canonical splice site variant expected to result in aberrant splicing, although in the absence of functional evidence the actual effect of this sequence change is unknown.; Not observed at significant frequency in large population cohorts (Lek et al., 2016); Has not been previously published as pathogenic or benign to our knowledge

Literature cited by the submitters: PubMed 16199547 (cited by Labcorp Genetics (formerly Invitae), Labcorp); PubMed 9590180 (cited by Labcorp Genetics (formerly Invitae), Labcorp); PubMed 16415040 (cited by Labcorp Genetics (formerly Invitae), Labcorp).